The following is an entry in ClinVar:

NM_002691.4(POLD1):c.2346_2347dup (p.Ser783fs)

Gene: POLD1 (DNA polymerase delta 1, catalytic subunit; plus strand). Cytogenetic location: 19q13.33.
Variant type: Microsatellite.
Coding change: c.2346_2347dup on transcript NM_002691.4 (MANE Select); coding-DNA positions 2346 to 2347, 2 bases duplicated (GT; older notation c.2346_2347dupGT).
Protein change: p.Ser783fs; shifts the reading frame from serine 783.
Molecular consequence: frameshift variant. On other transcripts: non-coding transcript variant (1).
Genome position (GRCh38, 1-based): chr19:50,413,837-50,413,838, GT duplicated; duplicating any 2 consecutive bases within chr19:50,413,835-50,413,838 gives the same sequence; the c. name uses the placement nearest the transcript's 3' end. VCF-style (leftmost placement, unchanged base first): chr19-50413834-G-GGT. GRCh37 (hg19) VCF-style: chr19-50917091-G-GGT.
Other names: c.2346_2347dup, p.Ser783fs (NM_001256849.1); c.2424_2425dup, p.Ser809fs (NM_001308632.1); c.2346_2347dupGT (NM_002691.2); short protein forms S783fs, S809fs.
Identifiers: ClinVar variation 658424 (VCV000658424.13), dbSNP rs1601238938, ClinGen allele CA915951953.

ClinVar aggregate classification (germline): Uncertain significance. Review status: criteria provided, multiple submitters, no conflicts (2 of 4 stars). 3 submissions from 3 submitters: Uncertain significance (3). Last evaluated 2026-03-10.

Conditions:
POLD1-related polyposis and colorectal cancer syndrome (CRCS10). Also called: Colorectal cancer, susceptibility to, 10; Colorectal cancer 10; COLORECTAL CANCER, SUSCEPTIBILITY TO, ON CHROMOSOME 19q. Identifiers: Orphanet 220460, MedGen C2675481, MONDO:0012953, OMIM 612591.
Hereditary cancer-predisposing syndrome. Also called: Hereditary neoplastic syndrome; Tumor predisposition; Hereditary Cancer Syndrome; Neoplastic Syndromes, Hereditary. Identifiers: Orphanet 140162, MedGen C0027672, MeSH D009386, MONDO:0015356.

Submissions (3):

Ambry Genetics
Classification: Uncertain significance for Hereditary cancer-predisposing syndrome. Last evaluated: 2026-03-10. Review status: criteria provided, single submitter. Criteria: Ambry Variant Classification Scheme 2023. Collection method: clinical testing. Allele origin: germline.
Comment: The c.2346_2347dupGT variant, located in coding exon 18 of the POLD1 gene, results from a duplication of GT at nucleotide position 2346, causing a translational frameshift with a predicted alternate stop codon (p.S783Cfs*106). This alteration is expected to result in loss of function by premature protein truncation or nonsense-mediated mRNA decay. However, loss of function has not been established as a mechanism of disease. Based on the available evidence, the clinical significance of this variant remains unclear.

Labcorp Genetics (formerly Invitae), Labcorp
Classification: Uncertain significance for POLD1-related polyposis and colorectal cancer syndrome. Last evaluated: 2025-08-06. Review status: criteria provided, single submitter. Criteria: Invitae Variant Classification Sherloc (09022015). Collection method: clinical testing. Allele origin: germline.
Comment: This sequence change creates a premature translational stop signal (p.Ser783Cysfs*106) in the POLD1 gene. Missense variants that disrupt the 3'-5' exonuclease (proof-reading) activity of the POLD1 protein are associated with PPAP (polymerase proofreading–associated polyposis) (PMID: 23263490, 23447401). However, loss-of-function variants that result in an absent or severely disrupted POLD1 protein, and missense variants outside the exonuclease domain, are unlikely to be associated with PPAP. This variant is not present in population databases (gnomAD no frequency). This variant has not been reported in the literature in individuals affected with POLD1-related conditions. ClinVar contains an entry for this variant (Variation ID: 658424). In summary, the available evidence is currently insufficient to determine the role of this variant in disease. Therefore, it has been classified as a Variant of Uncertain Significance.

GeneDx
Classification: Uncertain significance. Last evaluated: 2019-03-19. Review status: criteria provided, single submitter. Criteria: GeneDx Variant Classification Process June 2021. Collection method: clinical testing. Allele origin: germline. Affected: yes.
Comment: Not observed in large population cohorts (Lek et al., 2016); Some missense variants in POLD1 have been recognized as an underlying cause of Polymerase Proofreading-Associated Polyposis (PPAP); however, there are no data at this time to support that loss-of-function variants confer the same cancer risks; Has not been previously published as pathogenic or benign to our knowledge

Literature cited by the submitters: PubMed 23263490 (cited by Labcorp Genetics (formerly Invitae), Labcorp); PubMed 23447401 (cited by Labcorp Genetics (formerly Invitae), Labcorp).